The following is an entry in ClinVar:

ClinVar aggregate classification (germline): Uncertain significance. Review status: criteria provided, multiple submitters, no conflicts (2 of 4 stars). 2 submissions from 2 submitters: Uncertain significance (2). Last evaluated 2025-11-20.

Allele frequency attached by ClinVar (database versions not stated): TOPMed 0.00009; gnomAD 0.00011.
gnomAD v4.1: 188 of 1,061,632 alleles (0.018%); highest among the groups gnomAD compares: Non-Finnish European, 0.02%; no homozygotes.

Submissions (2):

Ambry Genetics
Classification: Uncertain significance. Last evaluated: 2025-11-20. Review status: criteria provided, single submitter. Criteria: Ambry Variant Classification Scheme 2023. Collection method: clinical testing. Allele origin: germline.

Labcorp Genetics (formerly Invitae), Labcorp
Classification: Uncertain significance. Last evaluated: 2022-08-23. Review status: criteria provided, single submitter. Criteria: Invitae Variant Classification Sherloc (09022015). Collection method: clinical testing. Allele origin: germline.
Comment: This sequence change replaces arginine, which is basic and polar, with serine, which is neutral and polar, at codon 220 of the GDF1 protein (p.Arg220Ser). This variant is present in population databases (no rsID available, gnomAD 0.02%). This variant has not been reported in the literature in individuals affected with GDF1-related conditions. ClinVar contains an entry for this variant (Variation ID: 471937). Algorithms developed to predict the effect of missense changes on protein structure and function (SIFT, PolyPhen-2, Align-GVGD) all suggest that this variant is likely to be tolerated. In summary, the available evidence is currently insufficient to determine the role of this variant in disease. Therefore, it has been classified as a Variant of Uncertain Significance.

NM_001492.6(GDF1):c.658C>A (p.Arg220Ser)

Genes: CERS1 (ceramide synthase 1; minus strand), GDF1 (growth differentiation factor 1; minus strand). Cytogenetic location: 19p13.11.
Variant type: single nucleotide variant.
Coding change: c.658C>A on transcript NM_001492.6 (MANE Select); coding-DNA position 658, C replaced by A.
Protein change: p.Arg220Ser; replaces arginine 220 with serine.
Molecular consequence: missense variant. On other transcripts: 3 prime UTR variant (2).
Genome position (GRCh38, 1-based): chr19:18,869,058, G>T on the plus strand (C>A on the coding strand, the complement: GDF1 is on the minus strand). VCF-style: chr19-18869058-G-T. GRCh37 (hg19) VCF-style: chr19-18979867-G-T.
Other names: c.*1519C>A (NM_001387440.1); c.*927C>A (NM_021267.5); c.658C>A, p.Arg220Ser (NM_001387438.1); short protein forms R220S.
Identifiers: ClinVar variation 471937 (VCV000471937.10), dbSNP rs1037827220, ClinGen allele CA306231718.